The following is an entry in ClinVar:

ClinVar aggregate classification (germline): Uncertain significance. Review status: criteria provided, multiple submitters, no conflicts (2 of 4 stars). 3 submissions from 3 submitters: Uncertain significance (3). Last evaluated 2025-09-12.

Conditions:
Hereditary cancer-predisposing syndrome. Also called: Hereditary Cancer Syndrome; Tumor predisposition; Hereditary neoplastic syndrome; Neoplastic Syndromes, Hereditary. Identifiers: Orphanet 140162, MedGen C0027672, MeSH D009386, MONDO:0015356.

Allele frequency attached by ClinVar (database versions not stated): gnomAD exomes below 0.00001.
gnomAD v4.1: 1 of 1,548,116 alleles (0.000065%); highest among the groups gnomAD compares: African/African-American, 0.0014%; no homozygotes.

Submissions (3):

Labcorp Genetics (formerly Invitae), Labcorp
Classification: Uncertain significance. Last evaluated: 2025-09-12. Review status: criteria provided, single submitter. Criteria: Invitae Variant Classification Sherloc (09022015). Collection method: clinical testing. Allele origin: germline.
Comment: This sequence change replaces alanine, which is neutral and non-polar, with valine, which is neutral and non-polar, at codon 25 of the FH protein (p.Ala25Val). This variant is not present in population databases (gnomAD no frequency). This variant has not been reported in the literature in individuals affected with FH-related conditions. ClinVar contains an entry for this variant (Variation ID: 647715). Invitae Evidence Modeling of protein sequence and biophysical properties (such as structural, functional, and spatial information, amino acid conservation, physicochemical variation, residue mobility, and thermodynamic stability) indicates that this missense variant is not expected to disrupt FH protein function with a negative predictive value of 95%. In summary, the available evidence is currently insufficient to determine the role of this variant in disease. Therefore, it has been classified as a Variant of Uncertain Significance.

Ambry Genetics
Classification: Uncertain significance for Hereditary cancer-predisposing syndrome. Last evaluated: 2025-08-02. Review status: criteria provided, single submitter. Criteria: Ambry Variant Classification Scheme 2023. Collection method: clinical testing. Allele origin: germline.
Comment: The p.A25V variant (also known as c.74C>T), located in coding exon 1 of the FH gene, results from a C to T substitution at nucleotide position 74. The alanine at codon 25 is replaced by valine, an amino acid with similar properties. This amino acid position is conserved. In addition, the in silico prediction for this alteration is inconclusive. Based on the available evidence, the clinical significance of this variant remains unclear.

Quest Diagnostics Nichols Institute San Juan Capistrano
Classification: Uncertain significance. Last evaluated: 2024-08-23. Review status: criteria provided, single submitter. Criteria: Quest Diagnostics criteria. Collection method: clinical testing. Allele origin: unknown.
Comment: The FH c.74C>T (p.Ala25Val) variant has not been reported in individuals with FH-related conditions in the published literature. It also has not been reported in large, multi-ethnic general populations (Genome Aggregation Database). Analysis of this variant using bioinformatics tools for the prediction of the effect of amino acid changes on protein structure and function yielded predictions that this variant is benign. Based on the available information, we are unable to determine the clinical significance of this variant.

NM_000143.4(FH):c.74C>T (p.Ala25Val)

Gene: FH (fumarate hydratase; minus strand). Cytogenetic location: 1q43.
Variant type: single nucleotide variant.
Coding change: c.74C>T on transcript NM_000143.4 (MANE Select); coding-DNA position 74, C replaced by T.
Protein change: p.Ala25Val; replaces alanine 25 with valine.
Molecular consequence: missense variant.
Genome position (GRCh38, 1-based): chr1:241,519,649, G>A on the plus strand (C>T on the coding strand, the complement: FH is on the minus strand). VCF-style: chr1-241519649-G-A. GRCh37 (hg19) VCF-style: chr1-241682949-G-A.
Other names: short protein forms A25V.
Identifiers: ClinVar variation 647715 (VCV000647715.11), dbSNP rs1573889933, ClinGen allele CA345442817.